The following is an entry in ClinVar:

NM_000875.5(IGF1R):c.3735G>A (p.Met1245Ile)

Gene: IGF1R (insulin like growth factor 1 receptor; plus strand). Cytogenetic location: 15q26.3.
Variant type: single nucleotide variant.
Coding change: c.3735G>A on transcript NM_000875.5 (MANE Select); coding-DNA position 3735, G replaced by A.
Protein change: p.Met1245Ile; replaces methionine 1245 with isoleucine.
Molecular consequence: missense variant.
Genome position (GRCh38, 1-based): chr15:98,957,073, G>A. VCF-style: chr15-98957073-G-A. GRCh37 (hg19) VCF-style: chr15-99500302-G-A.
Other names: c.3732G>A, p.Met1244Ile (NM_001291858.2); short protein forms M1245I, M1244I.
Identifiers: ClinVar variation 2961905 (VCV002961905.3), dbSNP rs2017020394, ClinGen allele CA393667583.

ClinVar aggregate classification (germline): Uncertain significance (1 of 4 stars; one submission).

Allele frequency attached by ClinVar (database versions not stated): gnomAD exomes below 0.00001; gnomAD 0.00001.

Submission:

Labcorp Genetics (formerly Invitae), Labcorp
Classification: Uncertain significance. Last evaluated: 2023-05-28. Review status: criteria provided, single submitter. Criteria: Invitae Variant Classification Sherloc (09022015). Collection method: clinical testing. Allele origin: germline.
Comment: This variant has not been reported in the literature in individuals affected with IGF1R-related conditions. This sequence change replaces methionine, which is neutral and non-polar, with isoleucine, which is neutral and non-polar, at codon 1245 of the IGF1R protein (p.Met1245Ile). This variant is not present in population databases (gnomAD no frequency). Advanced modeling of protein sequence and biophysical properties (such as structural, functional, and spatial information, amino acid conservation, physicochemical variation, residue mobility, and thermodynamic stability) performed at Invitae indicates that this missense variant is not expected to disrupt IGF1R protein function. In summary, the available evidence is currently insufficient to determine the role of this variant in disease. Therefore, it has been classified as a Variant of Uncertain Significance.